The following is an entry in ClinVar:

ClinVar aggregate classification (germline): Uncertain significance (1 of 4 stars; one submission).

Conditions:
Inborn genetic diseases. Identifiers: MedGen C0950123, MeSH D030342.

Submission:

Ambry Genetics
Classification: Uncertain significance for Inborn genetic diseases. Last evaluated: 2024-10-28. Review status: criteria provided, single submitter. Criteria: Ambry Variant Classification Scheme 2023. Collection method: clinical testing. Allele origin: germline.
Comment: The p.P1546L variant (also known as c.4637C>T), located in coding exon 32 of the LRRK2 gene, results from a C to T substitution at nucleotide position 4637. The proline at codon 1546 is replaced by leucine, an amino acid with similar properties. This amino acid position is conserved. In addition, the in silico prediction for this alteration is inconclusive. Based on the available evidence, the clinical significance of this variant remains unclear.

NM_198578.4(LRRK2):c.4637C>T (p.Pro1546Leu)

Gene: LRRK2 (leucine rich repeat kinase 2; plus strand). Cytogenetic location: 12q12.
Variant type: single nucleotide variant.
Coding change: c.4637C>T on transcript NM_198578.4 (MANE Select); coding-DNA position 4637, C replaced by T.
Protein change: p.Pro1546Leu; replaces proline 1546 with leucine.
Molecular consequence: missense variant.
Genome position (GRCh38, 1-based): chr12:40,314,072, C>T. VCF-style: chr12-40314072-C-T. GRCh37 (hg19) VCF-style: chr12-40707874-C-T.
Other names: short protein forms P1546L.
Identifiers: ClinVar variation 3540506 (VCV003540506.1).